The following is an entry in ClinVar:

NM_000238.4(KCNH2):c.1843C>G (p.Leu615Val)

Gene: KCNH2 (potassium voltage-gated channel subfamily H member 2; minus strand). Cytogenetic location: 7q36.1.
Variant type: single nucleotide variant.
Coding change: c.1843C>G on transcript NM_000238.4 (MANE Select); coding-DNA position 1843, C replaced by G.
Protein change: p.Leu615Val; replaces leucine 615 with valine.
Molecular consequence: missense variant.
Genome position (GRCh38, 1-based): chr7:150,951,550, G>C on the plus strand (C>G on the coding strand, the complement: KCNH2 is on the minus strand). VCF-style: chr7-150951550-G-C. GRCh37 (hg19) VCF-style: chr7-150648638-G-C.
Other names: c.1843C>G (LRG_288t1); c.823C>G, p.Leu275Val (NM_001204798.2, NM_172057.3); c.1555C>G, p.Leu519Val (NM_001406753.1, NM_001406756.1); c.1666C>G, p.Leu556Val (NM_001406755.1); c.1543C>G, p.Leu515Val (NM_001406757.1); c.1843C>G, p.Leu615Val (NM_172056.3); short protein forms L275V, L615V, L556V, L515V, L519V.
Identifiers: ClinVar variation 67293 (VCV000067293.5), dbSNP rs199472945, ClinGen allele CA005660.

ClinVar aggregate classification (germline): Likely pathogenic. Review status: criteria provided, multiple submitters, no conflicts (2 of 4 stars). 3 submissions from 3 submitters: Likely pathogenic (2). 1 of the submissions does not count toward it. Last evaluated 2024-07-30.

Conditions:
KCNH2-related disorder. Also called: KCNH2-related disorders; KCNH2-related condition.
Familial long QT syndrome (RWS). Also called: Congenital long QT syndrome; Romano-Ward syndrome; VENTRICULAR FIBRILLATION WITH PROLONGED QT INTERVAL. Identifiers: Orphanet 768, MedGen C1141890, MONDO:0019171.
Long QT syndrome 2 (LQT2). Identifiers: Orphanet 101016, Orphanet 768, MedGen C3150943, MONDO:0013367, OMIM 613688.

Submissions (3):

Blueprint Genetics
Classification: Likely pathogenic for KCNH2-related disorders. Last evaluated: 2024-07-30. Review status: criteria provided, single submitter. Criteria: ACMG Guidelines, 2015. Collection method: clinical testing. Allele origin: germline. Affected: yes. Observed: 1 variant allele.

Victorian Clinical Genetics Services, Murdoch Childrens Research Institute
Classification: Likely pathogenic for Long QT syndrome 2. Last evaluated: 2022-02-02. Review status: criteria provided, single submitter. Criteria: ACMG Guidelines, 2015. Collection method: clinical testing. Allele origin: germline. Inheritance: Autosomal dominant inheritance. Affected: yes.
Comment: Based on the classification scheme VCGS_Germline_v1.3.4, this variant is classified as Likely pathogenic. Following criteria are met: 0103 - Dominant negative and loss of function are known mechanisms of disease in this gene and are associated with long QT syndrome 2 (MIM#613688). Gain of function is also a known mechanism associated with short QT syndrome 1 (MIM#609620) (OMIM, PMID: 10753933; PMID: 21777565). (I) 0107 - This gene is associated with autosomal dominant disease. (I) 0112 - The condition associated with this gene has incomplete penetrance (GeneReviews). (I) 0200 - Variant is predicted to result in a missense amino acid change from leucine to valine. (I) 0251 - This variant is heterozygous. (I) 0301 - Variant is absent from gnomAD (both v2 and v3). (SP) 0501 - Missense variant consistently predicted to be damaging by multiple in silico tools and highly conserved with a minor amino acid change. (SP) 0600 - Variant is located in the annotated ion-transport pore helix domain (DECIPHER, PMID: 11524404). (I) 0704 - Another missense variant comparable to the one identified in this case has limited previous evidence for pathogenicity. The p.(Leu615Phe) variant has been reported in three individuals or families with long QT syndrome or Romano-Ward syndrome (ClinVar, PMIDs: 16414944, 26669661). Additionally, functional studies have demonstrated that this variant results in abnormal trafficking and severely reduced protein expression and peak tail current compared to WT (PMIDs: 25417810, 31557540). (SP) 0803 - This variant has limited previous evidence of pathogenicity in an unrelated individual. This variant has been reported once in a family with Romano-Ward syndrome (PMID: 10973849). (SP) 0905 - No published segregation evidence has been identified for this variant. (I) 1002 - This variant has moderate functional evidence supporting abnormal protein function. Mutant constructs expressed in Xenopus oocytes demonstrated reduced protein channel expression and induced very small peak currents compared to WT. Moreover, the mutant construct demonstrated dominant-negative effects when co-expressed with WT in Xenopus oocytes (PMID: 11524404). (SP) 1208 - Inheritance information for this variant is not currently available in this individual. (I) Legend: (SP) - Supporting pathogenic, (I) - Information, (SB) - Supporting benign

Cardiovascular Biomedical Research Unit, Royal Brompton & Harefield NHS Foundation Trust
No classification provided. Condition: Familial long QT syndrome. Review status: no classification provided. Collection method: literature only. Allele origin: germline. Not counted in ClinVar's aggregate classification.
Comment: This variant has been reported as associated with Long QT syndrome in the following publications (PMID:10973849). This is a literature report, and does not necessarily reflect the clinical interpretation of the Imperial College / Royal Brompton Cardiovascular Genetics laboratory.

Literature cited by the submitters: PubMed 10753933 (cited by Victorian Clinical Genetics Services, Murdoch Childrens Research Institute); PubMed 10973849 (cited by Victorian Clinical Genetics Services, Murdoch Childrens Research Institute and Cardiovascular Biomedical Research Unit, Royal Brompton & Harefield NHS Foundation Trust); PubMed 11524404 (cited by Victorian Clinical Genetics Services, Murdoch Childrens Research Institute); PubMed 16414944 (cited by Victorian Clinical Genetics Services, Murdoch Childrens Research Institute); PubMed 21777565 (cited by Victorian Clinical Genetics Services, Murdoch Childrens Research Institute); PubMed 25417810 (cited by Victorian Clinical Genetics Services, Murdoch Childrens Research Institute); PubMed 26669661 (cited by Victorian Clinical Genetics Services, Murdoch Childrens Research Institute); PubMed 31557540 (cited by Victorian Clinical Genetics Services, Murdoch Childrens Research Institute); PubMed 22581653 (cited by Cardiovascular Biomedical Research Unit, Royal Brompton & Harefield NHS Foundation Trust).